The following is an entry in ClinVar:

ClinVar aggregate classification (germline): Uncertain significance. Review status: criteria provided, multiple submitters, no conflicts (2 of 4 stars). 2 submissions from 2 submitters: Uncertain significance (2). Last evaluated 2025-10-15.

Conditions:
Inborn genetic diseases. Identifiers: MedGen C0950123, MeSH D030342.
Werner syndrome (WRN). Identifiers: Orphanet 902, MedGen C0043119, MONDO:0010196, OMIM 277700.

gnomAD v4.1: 3 of 1,614,052 alleles (0.00019%); highest among the groups gnomAD compares: Non-Finnish European, 0.00025%; no homozygotes.

Submissions (2):

Labcorp Genetics (formerly Invitae), Labcorp
Classification: Uncertain significance for Werner syndrome. Last evaluated: 2025-10-15. Review status: criteria provided, single submitter. Criteria: Invitae Variant Classification Sherloc (09022015). Collection method: clinical testing. Allele origin: germline.
Comment: This sequence change replaces arginine, which is basic and polar, with leucine, which is neutral and non-polar, at codon 1305 of the WRN protein (p.Arg1305Leu). This variant is not present in population databases (gnomAD no frequency). This variant has not been reported in the literature in individuals affected with WRN-related conditions. ClinVar contains an entry for this variant (Variation ID: 936471). An algorithm developed to predict the effect of missense changes on protein structure and function (PolyPhen-2) suggests that this variant is likely to be disruptive. In summary, the available evidence is currently insufficient to determine the role of this variant in disease. Therefore, it has been classified as a Variant of Uncertain Significance.

Ambry Genetics
Classification: Uncertain significance for Inborn genetic diseases. Last evaluated: 2025-04-21. Review status: criteria provided, single submitter. Criteria: Ambry Variant Classification Scheme 2023. Collection method: clinical testing. Allele origin: germline.

NM_000553.6(WRN):c.3914G>T (p.Arg1305Leu)

Gene: WRN (WRN RecQ like helicase; plus strand). Cytogenetic location: 8p12.
Variant type: single nucleotide variant.
Coding change: c.3914G>T on transcript NM_000553.6 (MANE Select); coding-DNA position 3914, G replaced by T.
Protein change: p.Arg1305Leu; replaces arginine 1305 with leucine.
Molecular consequence: missense variant.
Genome position (GRCh38, 1-based): chr8:31,157,462, G>T. VCF-style: chr8-31157462-G-T. GRCh37 (hg19) VCF-style: chr8-31014978-G-T.
Other names: short protein forms R1305L.
Identifiers: ClinVar variation 936471 (VCV000936471.7), dbSNP rs775535952, ClinGen allele CA370929475.
Genomic context (GRCh38, chr8:31,157,462, plus strand): 5'-TGACAATTGGCATGCACTTATCCCAAGCGGTGAAAGCTGGCTGCCCCCTTGATTTGGAGC[G>T]AGCAGGCCTGACTCCAGAGGTTCAGAAGATTATTGCTGATGTTATCCGAAACCCTCCCGT-3'
Protein context (NP_000544.2, residues 1295-1315): VKAGCPLDLE[Arg1305Leu]AGLTPEVQKI